The following is an entry in ClinVar:

ClinVar aggregate classification (germline): Benign/Likely benign. Review status: criteria provided, multiple submitters, no conflicts (2 of 4 stars). 5 submissions from 5 submitters: Benign (2); Likely benign (2). 1 of the submissions does not count toward it. Last evaluated 2026-04-01.

Conditions:
EP300-related disorder. Also called: EP300-related condition; EP300-related disorders.
Rubinstein-Taybi syndrome due to EP300 haploinsufficiency. Also called: RUBINSTEIN-TAYBI SYNDROME 2; EP300-Related Rubinstein-Taybi Syndrome. Identifiers: Orphanet 353284, Orphanet 783, MedGen C3150941, MONDO:0013364, OMIM 613684.

Allele frequency attached by ClinVar (database versions not stated): ESP Exome Variant Server 0.00008; gnomAD 0.00018 and 0.00035; gnomAD exomes 0.00030 and 0.00066; TOPMed 0.00032; ExAC 0.00064; 1000 Genomes Project 0.00160; 1000 Genomes Project 30x 0.00172.
gnomAD v4.1: 507 of 1,614,244 alleles (0.031%); highest among the groups gnomAD compares: East Asian, 0.73%; 2 homozygotes.

Submissions (5):

CeGaT Center for Human Genetics Tuebingen
Classification: Likely benign. Last evaluated: 2026-04-01. Review status: criteria provided, single submitter. Criteria: CeGaT Center For Human Genetics Tuebingen Variant Classification Criteria Version 2. Collection method: clinical testing. Allele origin: germline. Affected: yes. Observed: 4 variant alleles.
Comment: EP300: BP4, BP7, BS1

Labcorp Genetics (formerly Invitae), Labcorp
Classification: Benign for Rubinstein-Taybi syndrome due to EP300 haploinsufficiency. Last evaluated: 2026-01-15. Review status: criteria provided, single submitter. Criteria: Invitae Variant Classification Sherloc (09022015). Collection method: clinical testing. Allele origin: germline.

Blueprint Genetics
Classification: Likely benign. Last evaluated: 2024-09-20. Review status: criteria provided, single submitter. Criteria: ACMG Guidelines, 2015. Collection method: clinical testing. Allele origin: germline.

GeneDx
Classification: Benign. Last evaluated: 2019-08-12. Review status: criteria provided, single submitter. Criteria: GeneDx Variant Classification Process June 2021. Collection method: clinical testing. Allele origin: germline. Affected: yes.

PreventionGenetics, part of Exact Sciences
Classification: Likely benign for EP300-related condition. Last evaluated: 2021-07-22. Review status: no assertion criteria provided. Collection method: clinical testing. Allele origin: germline. Not counted in ClinVar's aggregate classification.
Comment: This variant is classified as likely benign based on ACMG/AMP sequence variant interpretation guidelines (Richards et al. 2015 PMID: 25741868, with internal and published modifications).

NM_001429.4(EP300):c.1104C>T (p.His368=)

Gene: EP300 (EP300 lysine acetyltransferase; plus strand). Cytogenetic location: 22q13.2.
Variant type: single nucleotide variant.
Coding change: c.1104C>T on transcript NM_001429.4 (MANE Select); coding-DNA position 1104, C replaced by T.
Protein change: p.His368=; no amino-acid change (histidine 368 retained).
Molecular consequence: synonymous variant.
Genome position (GRCh38, 1-based): chr22:41,127,684, C>T. VCF-style: chr22-41127684-C-T. GRCh37 (hg19) VCF-style: chr22-41523688-C-T.
Other names: c.1104C>T, p.His368= (NM_001362843.2).
Identifiers: ClinVar variation 712720 (VCV000712720.35), dbSNP rs78045947, ClinGen allele CA10252422.